The following is an entry in ClinVar:

ClinVar aggregate classification (germline): Uncertain significance (1 of 4 stars; one submission).

Conditions:
Charcot-Marie-Tooth disease axonal type 2O. Also called: CHARCOT-MARIE-TOOTH NEUROPATHY, AXONAL, TYPE 2O; CHARCOT-MARIE-TOOTH DISEASE, AXONAL, AUTOSOMAL DOMINANT, TYPE 2O; Charcot-Marie-Tooth Neuropathy Type 2O; Charcot-Marie-Tooth disease, axonal, type 20. Identifiers: Orphanet 284232, MedGen C3280220, MONDO:0013644, OMIM 614228.

Allele frequency attached by ClinVar (database versions not stated): TOPMed below 0.00001; gnomAD exomes 0.00001.
gnomAD v4.1: 13 of 1,614,140 alleles (0.00081%); highest among the groups gnomAD compares: Non-Finnish European, 0.001%; no homozygotes.

Submission:

Labcorp Genetics (formerly Invitae), Labcorp
Classification: Uncertain significance for Charcot-Marie-Tooth disease axonal type 2O. Last evaluated: 2024-10-15. Review status: criteria provided, single submitter. Criteria: Invitae Variant Classification Sherloc (09022015). Collection method: clinical testing. Allele origin: germline.
Comment: This sequence change replaces glutamic acid, which is acidic and polar, with lysine, which is basic and polar, at codon 4148 of the DYNC1H1 protein (p.Glu4148Lys). This variant is present in population databases (no rsID available, gnomAD 0.0009%). This variant has not been reported in the literature in individuals affected with DYNC1H1-related conditions. Invitae Evidence Modeling of protein sequence and biophysical properties (such as structural, functional, and spatial information, amino acid conservation, physicochemical variation, residue mobility, and thermodynamic stability) has been performed for this missense variant. However, the output from this modeling did not meet the statistical confidence thresholds required to predict the impact of this variant on DYNC1H1 protein function. In summary, the available evidence is currently insufficient to determine the role of this variant in disease. Therefore, it has been classified as a Variant of Uncertain Significance.

NM_001376.5(DYNC1H1):c.12442G>A (p.Glu4148Lys)

Gene: DYNC1H1 (dynein cytoplasmic 1 heavy chain 1; plus strand). Cytogenetic location: 14q32.31.
Variant type: single nucleotide variant.
Coding change: c.12442G>A on transcript NM_001376.5 (MANE Select); coding-DNA position 12442, G replaced by A.
Protein change: p.Glu4148Lys; replaces glutamic acid 4148 with lysine.
Molecular consequence: missense variant.
Genome position (GRCh38, 1-based): chr14:102,042,677, G>A. VCF-style: chr14-102042677-G-A. GRCh37 (hg19) VCF-style: chr14-102509014-G-A.
Other names: short protein forms E4148K.
Identifiers: ClinVar variation 2716760 (VCV002716760.3), dbSNP rs1460347715, ClinGen allele CA391041443.
Genomic context (GRCh38, chr14:102,042,677, plus strand): 5'-AACGGCGCTCTCCCTTAGGTGCCTGTGAATCTGCTCCGTGCGGGCCGCATCTTTGTGTTC[G>A]AGCCACCGCCAGGGGTGAAGGCCAACATGCTGAGGACGTTCAGCAGCATTCCCGTCTCAC-3'
Protein context (NP_001367.2, residues 4138-4158): LLRAGRIFVF[Glu4148Lys]PPPGVKANML